The following is an entry in ClinVar:

NM_014112.5(TRPS1):c.1687T>A (p.Tyr563Asn)

Gene: TRPS1 (transcriptional repressor GATA binding 1; minus strand). Cytogenetic location: 8q23.3.
Variant type: single nucleotide variant.
Coding change: c.1687T>A on transcript NM_014112.5 (MANE Select); coding-DNA position 1687, T replaced by A.
Protein change: p.Tyr563Asn; replaces tyrosine 563 with asparagine.
Molecular consequence: missense variant.
Genome position (GRCh38, 1-based): chr8:115,604,282, A>T on the plus strand (T>A on the coding strand, the complement: TRPS1 is on the minus strand). VCF-style: chr8-115604282-A-T. GRCh37 (hg19) VCF-style: chr8-116616509-A-T.
Other names: c.1660T>A, p.Tyr554Asn (NM_001282902.3); c.1666T>A, p.Tyr556Asn (NM_001282903.3); c.1648T>A, p.Tyr550Asn (NM_001330599.2); short protein forms Y563N, Y550N, Y556N, Y554N.
Identifiers: ClinVar variation 2928483 (VCV002928483.4), dbSNP rs886062623, ClinGen allele CA10630063.

ClinVar aggregate classification (germline): Uncertain significance. Review status: criteria provided, multiple submitters, no conflicts (2 of 4 stars). 2 submissions from 2 submitters: Uncertain significance (2). Last evaluated 2025-08-20.

Conditions:
Inborn genetic diseases. Identifiers: MedGen C0950123, MeSH D030342.
Trichorhinophalangeal dysplasia type I (TRPS1). Also called: TRICHORHINOPHALANGEAL SYNDROME, TYPE I; TRPS I. Identifiers: Orphanet 77258, MedGen C0432233, MONDO:0008596, OMIM 190350.
Trichorhinophalangeal syndrome, type III (TRPS3). Also called: SUGIO-KAJII SYNDROME. Identifiers: Orphanet 77258, MedGen C1860823, OMIM 190351, MONDO:0008597.

Allele frequency attached by ClinVar (database versions not stated): TOPMed below 0.00001; gnomAD exomes 0.00001; gnomAD 0.00002 and 0.00013.
gnomAD v4.1: 15 of 1,614,006 alleles (0.00093%); highest among the groups gnomAD compares: Non-Finnish European, 0.0011%; no homozygotes.

Submissions (2):

Ambry Genetics
Classification: Uncertain significance for Inborn genetic diseases. Last evaluated: 2025-08-20. Review status: criteria provided, single submitter. Criteria: Ambry Variant Classification Scheme 2023. Collection method: clinical testing. Allele origin: germline.

Labcorp Genetics (formerly Invitae), Labcorp
Classification: Uncertain significance for Trichorhinophalangeal syndrome, type III; Trichorhinophalangeal dysplasia type I. Last evaluated: 2023-10-05. Review status: criteria provided, single submitter. Criteria: Invitae Variant Classification Sherloc (09022015). Collection method: clinical testing. Allele origin: germline.
Comment: This sequence change replaces tyrosine, which is neutral and polar, with asparagine, which is neutral and polar, at codon 563 of the TRPS1 protein (p.Tyr563Asn). This variant is present in population databases (no rsID available, gnomAD 0.03%), and has an allele count higher than expected for a pathogenic variant. This variant has not been reported in the literature in individuals affected with TRPS1-related conditions. Advanced modeling of protein sequence and biophysical properties (such as structural, functional, and spatial information, amino acid conservation, physicochemical variation, residue mobility, and thermodynamic stability) performed at Invitae indicates that this missense variant is expected to disrupt TRPS1 protein function. In summary, the available evidence is currently insufficient to determine the role of this variant in disease. Therefore, it has been classified as a Variant of Uncertain Significance.